The following is an entry in ClinVar:

ClinVar aggregate classification (germline): Benign. Review status: criteria provided, multiple submitters, no conflicts (2 of 4 stars). 4 submissions from 4 submitters: Benign (2). 2 of the submissions do not count toward it. Last evaluated 2025-07-24.

Conditions:
BMP7-related disorder. Also called: BMP7-related condition.
Congenital total pulmonary venous return anomaly (TAPVR1). Also called: Total anomalous pulmonary venous return; TOTAL ANOMALOUS PULMONARY VENOUS RETURN 1. Identifiers: Orphanet 99125, MedGen C4551903, MONDO:0007130, OMIM 106700, HP:0005160.

Allele frequency attached by ClinVar (database versions not stated): gnomAD 0.00277 and 0.00338; TOPMed 0.00349; ESP Exome Variant Server 0.00177; gnomAD exomes 0.00359 and 0.00537; ExAC 0.00595; 1000 Genomes Project 0.00759; 1000 Genomes Project 30x 0.00781.
gnomAD v4.1: 5,853 of 1,610,820 alleles (0.36%); highest among the groups gnomAD compares: Middle Eastern, 2.1%; 44 homozygotes.

Submissions (4):

Labcorp Genetics (formerly Invitae), Labcorp
Classification: Benign. Last evaluated: 2025-07-24. Review status: criteria provided, single submitter. Criteria: Invitae Variant Classification Sherloc (09022015). Collection method: clinical testing. Allele origin: germline.

Breakthrough Genomics
Classification: Benign. Review status: criteria provided, single submitter. Criteria: ACMG Guidelines, 2015. Collection method: not provided. Allele origin: germline. Inheritance: Unknown mechanism. Affected: yes.

PreventionGenetics, part of Exact Sciences
Classification: Benign for BMP7-related condition. Last evaluated: 2021-03-24. Review status: no assertion criteria provided. Collection method: clinical testing. Allele origin: germline. Not counted in ClinVar's aggregate classification.
Comment: This variant is classified as benign based on ACMG/AMP sequence variant interpretation guidelines (Richards et al. 2015 PMID: 25741868, with internal and published modifications).

Cytogenetics- Mohapatra Lab, Banaras Hindu University
Classification: Benign for Congenital total pulmonary venous return anomaly. Review status: no assertion criteria provided. Collection method: case-control. Allele origin: de novo. Affected: yes. Observed: 1 variant allele. Segregation with disease not observed. Not counted in ClinVar's aggregate classification.

NM_001719.3(BMP7):c.962A>G (p.Asn321Ser)

Gene: BMP7 (bone morphogenetic protein 7; minus strand). Cytogenetic location: 20q13.31.
Variant type: single nucleotide variant.
Coding change: c.962A>G on transcript NM_001719.3 (MANE Select); coding-DNA position 962, A replaced by G.
Protein change: p.Asn321Ser; replaces asparagine 321 with serine.
Molecular consequence: missense variant.
Genome position (GRCh38, 1-based): chr20:57,175,004, T>C on the plus strand (A>G on the coding strand, the complement: BMP7 is on the minus strand). VCF-style: chr20-57175004-T-C. GRCh37 (hg19) VCF-style: chr20-55750060-T-C.
Other names: short protein forms N321S.
Identifiers: ClinVar variation 771049 (VCV000771049.13), dbSNP rs61733438, ClinGen allele CA9919631.